The following is an entry in ClinVar:

ClinVar aggregate classification (germline): Uncertain significance (1 of 4 stars; one submission).

Conditions:
Hereditary cancer-predisposing syndrome. Also called: Hereditary Cancer Syndrome; Hereditary neoplastic syndrome; Neoplastic Syndromes, Hereditary; Tumor predisposition. Identifiers: Orphanet 140162, MedGen C0027672, MeSH D009386, MONDO:0015356.

Allele frequency attached by ClinVar (database versions not stated): gnomAD 0.00001.

Submission:

Ambry Genetics
Classification: Uncertain significance for Hereditary cancer-predisposing syndrome. Last evaluated: 2022-09-03. Review status: criteria provided, single submitter. Criteria: Ambry Variant Classification Scheme 2023. Collection method: clinical testing. Allele origin: germline.
Comment: The p.M198T variant (also known as c.593T>C), located in coding exon 5 of the POLD1 gene, results from a T to C substitution at nucleotide position 593. The methionine at codon 198 is replaced by threonine, an amino acid with similar properties. This amino acid position is conserved. In addition, this alteration is predicted to be tolerated by in silico analysis. Since supporting evidence is limited at this time, the clinical significance of this alteration remains unclear.

NM_002691.4(POLD1):c.593T>C (p.Met198Thr)

Gene: POLD1 (DNA polymerase delta 1, catalytic subunit; plus strand). Cytogenetic location: 19q13.33.
Variant type: single nucleotide variant.
Coding change: c.593T>C on transcript NM_002691.4 (MANE Select); coding-DNA position 593, T replaced by C.
Protein change: p.Met198Thr; replaces methionine 198 with threonine.
Molecular consequence: missense variant. On other transcripts: non-coding transcript variant (1).
Genome position (GRCh38, 1-based): chr19:50,402,208, T>C. VCF-style: chr19-50402208-T-C. GRCh37 (hg19) VCF-style: chr19-50905465-T-C.
Other names: c.593T>C, p.Met198Thr (NM_001256849.1, NM_001308632.1); short protein forms M198T.
Identifiers: ClinVar variation 1750617 (VCV001750617.2), dbSNP rs2038671718, ClinGen allele CA406973721.
Genomic context (GRCh38, chr19:50,402,208, plus strand): 5'-GGGTTGGAGGGTCCCCTCGGGAGGCCATTGGCTGGTCCCAGCTTCTTCCATCCACAGGCA[T>C]GTTTGGGTACCACGGGCACGGCCCCTCCCCGTTCCTGCGCATCACCGTGGCGCTGCCGCG-3'
Protein context (NP_002682.2, residues 188-208): LAVELCSRES[Met198Thr]FGYHGHGPSP